The following is an entry in ClinVar:

ClinVar aggregate classification (germline): Uncertain significance (1 of 4 stars; one submission).

Conditions:
Gastrointestinal stromal tumor. Also called: Gastrointestinal stromal tumor, somatic; Gastrointestinal stroma tumor. Identifiers: Orphanet 44890, MedGen C0238198, MeSH D046152, MONDO:0011719, OMIM 606764, HP:0100723.

Submission:

Labcorp Genetics (formerly Invitae), Labcorp
Classification: Uncertain significance for Gastrointestinal stroma tumor. Last evaluated: 2019-08-09. Review status: criteria provided, single submitter. Criteria: Invitae Variant Classification Sherloc (09022015). Collection method: clinical testing. Allele origin: germline.
Comment: A gross duplication of the genomic region encompassing the full coding sequence of the PDGFRA gene has been identified. The boundaries of this event are unknown as the duplication extends beyond the assayed region for this gene and therefore may encompass additional genes. As the precise location of this duplication is unknown, it may be in tandem or it may be located elsewhere in the genome. This variant has not been reported in the literature in individuals with a PDGFRA-related disease. Experimental studies and prediction algorithms are not available for this variant, and the functional significance of the duplicated gene copies is currently unknown. In summary, the exact genomic location of this variant is unknown and the impact of this duplication on PDGFRA protein function has not been established. Therefore, it has been classified as a Variant of Uncertain Significance.

NC_000004.12:g.(?_54228182)_(54295306_?)dup

Gene: PDGFRA (platelet derived growth factor receptor alpha; plus strand). Cytogenetic location: 4q12.
Variant type: Duplication.
Identifiers: ClinVar variation 833243 (VCV000833243.2).